The following is an entry in ClinVar:

NM_001111.5(ADAR):c.1631G>A (p.Arg544Gln)

Gene: ADAR (adenosine deaminase RNA specific; minus strand). Cytogenetic location: 1q21.3.
Variant type: single nucleotide variant.
Coding change: c.1631G>A on transcript NM_001111.5 (MANE Select); coding-DNA position 1631, G replaced by A.
Protein change: p.Arg544Gln; replaces arginine 544 with glutamine.
Molecular consequence: missense variant.
Genome position (GRCh38, 1-based): chr1:154,598,556, C>T on the plus strand (G>A on the coding strand, the complement: ADAR is on the minus strand). VCF-style: chr1-154598556-C-T. GRCh37 (hg19) VCF-style: chr1-154571032-C-T.
Other names: c.746G>A, p.Arg249Gln (NM_001025107.3, NM_001193495.2, NM_001365046.1 and 3 more transcripts); c.1658G>A, p.Arg553Gln (NM_001365045.1); c.1631G>A, p.Arg544Gln (NM_015840.4, NM_015841.4); short protein forms R544Q, R553Q, R249Q.
Identifiers: ClinVar variation 2166221 (VCV002166221.4), dbSNP rs1697655744, ClinGen allele CA342639686.

ClinVar aggregate classification (germline): Uncertain significance (1 of 4 stars; one submission).

Conditions:
Symmetrical dyschromatosis of extremities (DSH). Also called: DYSCHROMATOSIS SYMMETRICA HEREDITARIA 1; RETICULATE ACROPIGMENTATION OF DOHI; SYMMETRIC DYSCHROMATOSIS OF THE EXTREMITIES; Dyschromatosis symmetrica hereditaria. Identifiers: Orphanet 41, MedGen C0406775, MONDO:0007483, OMIM 127400.
Aicardi-Goutieres syndrome 6 (AGS6). Identifiers: Orphanet 51, MedGen C3539013, MONDO:0014007, OMIM 615010.

Allele frequency attached by ClinVar (database versions not stated): gnomAD exomes below 0.00001; TOPMed below 0.00001.
gnomAD v4.1: 2 of 1,614,212 alleles (0.00012%); highest among the groups gnomAD compares: Non-Finnish European, 0.00017%; no homozygotes.

Submission:

Labcorp Genetics (formerly Invitae), Labcorp
Classification: Uncertain significance for Aicardi-Goutieres syndrome 6; Symmetrical dyschromatosis of extremities. Last evaluated: 2022-06-12. Review status: criteria provided, single submitter. Criteria: Invitae Variant Classification Sherloc (09022015). Collection method: clinical testing. Allele origin: germline.
Comment: This sequence change replaces arginine, which is basic and polar, with glutamine, which is neutral and polar, at codon 544 of the ADAR protein (p.Arg544Gln). This variant is not present in population databases (gnomAD no frequency). In summary, the available evidence is currently insufficient to determine the role of this variant in disease. Therefore, it has been classified as a Variant of Uncertain Significance. Algorithms developed to predict the effect of missense changes on protein structure and function are either unavailable or do not agree on the potential impact of this missense change (SIFT: "Deleterious"; PolyPhen-2: "Probably Damaging"; Align-GVGD: "Class C0"). This variant has not been reported in the literature in individuals affected with ADAR-related conditions.